The following is an entry in ClinVar:

ClinVar aggregate classification (germline): Uncertain significance. Review status: criteria provided, multiple submitters, no conflicts (2 of 4 stars). 2 submissions from 2 submitters: Uncertain significance (2). Last evaluated 2025-08-19.

Conditions:
Combined immunodeficiency due to LRBA deficiency. Also called: Common variable immunodeficiency 8, with autoimmunity. Identifiers: Orphanet 445018, MedGen C3553512, MONDO:0013863, OMIM 614700.
Inborn genetic diseases. Identifiers: MedGen C0950123, MeSH D030342.

Allele frequency attached by ClinVar (database versions not stated): gnomAD exomes below 0.00001; ExAC 0.00001.
gnomAD v4.1: 3 of 1,591,508 alleles (0.00019%); highest among the groups gnomAD compares: Non-Finnish European, 0.00026%; no homozygotes.

Submissions (2):

Ambry Genetics
Classification: Uncertain significance for Inborn genetic diseases. Last evaluated: 2025-08-19. Review status: criteria provided, single submitter. Criteria: Ambry Variant Classification Scheme 2023. Collection method: clinical testing. Allele origin: germline.

Labcorp Genetics (formerly Invitae), Labcorp
Classification: Uncertain significance for Combined immunodeficiency due to LRBA deficiency. Last evaluated: 2022-02-09. Review status: criteria provided, single submitter. Criteria: Invitae Variant Classification Sherloc (09022015). Collection method: clinical testing. Allele origin: germline.
Comment: This sequence change replaces proline, which is neutral and non-polar, with threonine, which is neutral and polar, at codon 2192 of the LRBA protein (p.Pro2192Thr). This variant is present in population databases (rs763511080, gnomAD 0.0009%). This variant has not been reported in the literature in individuals affected with LRBA-related conditions. Algorithms developed to predict the effect of missense changes on protein structure and function are either unavailable or do not agree on the potential impact of this missense change (SIFT: "Deleterious"; PolyPhen-2: "Benign"; Align-GVGD: "Class C0"). In summary, the available evidence is currently insufficient to determine the role of this variant in disease. Therefore, it has been classified as a Variant of Uncertain Significance.

NM_001364905.1(LRBA):c.6541C>A (p.Pro2181Thr)

Gene: LRBA (LPS responsive beige-like anchor protein; minus strand). Cytogenetic location: 4q31.3.
Variant type: single nucleotide variant.
Coding change: c.6541C>A on transcript NM_001364905.1 (MANE Select); coding-DNA position 6541, C replaced by A.
Protein change: p.Pro2181Thr; replaces proline 2181 with threonine.
Molecular consequence: missense variant.
Genome position (GRCh38, 1-based): chr4:150,487,742, G>T on the plus strand (C>A on the coding strand, the complement: LRBA is on the minus strand). VCF-style: chr4-150487742-G-T. GRCh37 (hg19) VCF-style: chr4-151408894-G-T.
Other names: c.6541C>A, p.Pro2181Thr (NM_001199282.3, NM_001367550.1); c.6574C>A, p.Pro2192Thr (NM_006726.5); short protein forms P2181T, P2192T.
Identifiers: ClinVar variation 1501802 (VCV001501802.4), dbSNP rs763511080, ClinGen allele CA3101899.